The following is an entry in ClinVar:

ClinVar aggregate classification (germline): Uncertain significance (1 of 4 stars; one submission).

Conditions:
Tyrosinemia type I (TYRSN1). Also called: HEPATORENAL TYROSINEMIA; Tyrosinemia type 1; Fumarylacetoacetase deficiency; Deficiency of fumarylacetoacetase; FAH DEFICIENCY. Identifiers: Orphanet 882, MedGen C0268490, MONDO:0010161, OMIM 276700. Disease mechanism: loss of function.

Allele frequency attached by ClinVar (database versions not stated): gnomAD exomes below 0.00001.
gnomAD v4.1: 1 of 1,607,888 alleles (0.000062%); highest among the groups gnomAD compares: African/African-American, 0.0013%; no homozygotes.

Submission:

Labcorp Genetics (formerly Invitae), Labcorp
Classification: Uncertain significance for Tyrosinemia type I. Last evaluated: 2022-06-08. Review status: criteria provided, single submitter. Criteria: Invitae Variant Classification Sherloc (09022015). Collection method: clinical testing. Allele origin: germline.
Comment: In summary, the available evidence is currently insufficient to determine the role of this variant in disease. Therefore, it has been classified as a Variant of Uncertain Significance. Algorithms developed to predict the effect of sequence changes on RNA splicing suggest that this variant may create or strengthen a splice site. Algorithms developed to predict the effect of missense changes on protein structure and function are either unavailable or do not agree on the potential impact of this missense change (SIFT: "Deleterious"; PolyPhen-2: "Probably Damaging"; Align-GVGD: "Class C0"). This variant has not been reported in the literature in individuals affected with FAH-related conditions. This variant is not present in population databases (gnomAD no frequency). This sequence change replaces serine, which is neutral and polar, with asparagine, which is neutral and polar, at codon 235 of the FAH protein (p.Ser235Asn).

NM_000137.4(FAH):c.704G>A (p.Ser235Asn)

Gene: FAH (fumarylacetoacetate hydrolase; plus strand). Cytogenetic location: 15q25.1.
Variant type: single nucleotide variant.
Coding change: c.704G>A on transcript NM_000137.4 (MANE Select); coding-DNA position 704, G replaced by A.
Protein change: p.Ser235Asn; replaces serine 235 with asparagine.
Molecular consequence: missense variant.
Genome position (GRCh38, 1-based): chr15:80,172,246, G>A. VCF-style: chr15-80172246-G-A. GRCh37 (hg19) VCF-style: chr15-80464588-G-A.
Other names: c.704G>A, p.Ser235Asn (NM_001374377.1, NM_001374380.1); short protein forms S235N.
Identifiers: ClinVar variation 1993809 (VCV001993809.4), dbSNP rs2505853897, ClinGen allele CA393620615.